The following is an entry in ClinVar:

NM_004999.4(MYO6):c.61A>G (p.Ile21Val)

Gene: MYO6 (myosin VI; plus strand). Cytogenetic location: 6q14.1.
Variant type: single nucleotide variant.
Coding change: c.61A>G on transcript NM_004999.4 (MANE Select); coding-DNA position 61, A replaced by G.
Protein change: p.Ile21Val; replaces isoleucine 21 with valine.
Molecular consequence: missense variant. On other transcripts: non-coding transcript variant (2).
Genome position (GRCh38, 1-based): chr6:75,817,608, A>G. VCF-style: chr6-75817608-A-G. GRCh37 (hg19) VCF-style: chr6-76527325-A-G.
Other names: c.61A>G, p.Ile21Val (NM_001300899.2, NM_001368136.1, NM_001368137.1 and 5 more transcripts); short protein forms I21V.
Identifiers: ClinVar variation 1304852 (VCV001304852.2), dbSNP rs546375259, ClinGen allele CA3896710.
Genomic context (GRCh38, chr6:75,817,608, plus strand): 5'-ATGGAGGATGGAAAGCCCGTTTGGGCGCCACACCCTACAGATGGATTTCAGATGGGCAAT[A>G]TTGTGGATATTGGCCCCGACAGCTTAACAATTGAACCCTTGAATCAGAAAGGCAAGGTGA-3'
Protein context (NP_004990.3, residues 11-31): HPTDGFQMGN[Ile21Val]VDIGPDSLTI

ClinVar aggregate classification (germline): Uncertain significance (1 of 4 stars; one submission).

gnomAD v4.1: 3 of 1,614,178 alleles (0.00019%); highest among the groups gnomAD compares: East Asian, 0.0067%; no homozygotes.

Submission:

GeneDx
Classification: Uncertain significance. Last evaluated: 2021-04-29. Review status: criteria provided, single submitter. Criteria: GeneDx Variant Classification Process June 2021. Collection method: clinical testing. Allele origin: germline. Affected: yes.
Comment: In silico analysis supports that this missense variant does not alter protein structure/function; Has not been previously published as pathogenic or benign to our knowledge